The following is an entry in ClinVar:

NM_001371246.1(SCN2A):c.662T>A (p.Val221Asp)

Gene: SCN2A (sodium voltage-gated channel alpha subunit 2; plus strand). Cytogenetic location: 2q24.3.
Variant type: single nucleotide variant.
Coding change: c.662T>A on transcript NM_001371246.1 (MANE Plus Clinical); coding-DNA position 662, T replaced by A.
Protein change: p.Val221Asp; replaces valine 221 with aspartic acid.
Molecular consequence: missense variant. On other transcripts: intron variant (3).
Genome position (GRCh38, 1-based): chr2:165,309,221, T>A. VCF-style: chr2-165309221-T-A. GRCh37 (hg19) VCF-style: chr2-166165731-T-A.
Other names: c.662T>A, p.Val221Asp (NM_001040143.2); c.606-131T>A (NM_001040142.2, NM_001371247.1, NM_021007.3); short protein forms V221D.
Identifiers: ClinVar variation 2584477 (VCV002584477.2), dbSNP rs2467886070, ClinGen allele CA349017071.
Genomic context (GRCh38, chr2:165,309,221, plus strand): 5'-ACAGGTATGTAACAGAATTTGTAAACCTAGGCAATGTTTCAGCTCTTCGAACTTTCAGAG[T>A]CTTGAGAGCTTTGAAAACTATTTCTGTAATTCCAGGTAAGAAGAAAATGGTATAAGGTGG-3'
Protein context (NP_001358175.1, residues 211-231): GNVSALRTFR[Val221Asp]LRALKTISVI

ClinVar aggregate classification (germline): Likely pathogenic (1 of 4 stars; one submission).

Conditions:
SCN2A-related disorder. Also called: SCN2A-related condition; SCN2A-related disorders. Identifiers: MedGen CN382226, MONDO:1060245.

Submission:

Rady Children's Institute for Genomic Medicine, Rady Children's Hospital San Diego
Classification: Likely pathogenic for SCN2A-related disorders. Last evaluated: 2021-09-09. Review status: criteria provided, single submitter. Criteria: ACMG Guidelines, 2015. Collection method: clinical testing. Allele origin: germline. Affected: yes.
Comment: This variant has not been previously reported or functionally characterized in the literature to our knowledge. The c.662T>A (p.Val221Asp) variant is absent from the gnomAD population database and thus is presumed to be rare. The c.662T>A (p.Val221Asp) variant affects a highly conserved amino acid and is predicted by multiple in silico tools to have a deleterious effect on protein function. Analysis of the parental samples was negative for the variant, indicating this variant likely occurred as a de novo event. Based on the available evidence, the c.662T>A (p.Val221Asp) variant is classified as Likely Pathogenic.